The following is an entry in ClinVar:

NM_000048.4(ASL):c.13-2A>G

Gene: ASL (argininosuccinate lyase; plus strand). Cytogenetic location: 7q11.21.
Variant type: single nucleotide variant.
Coding change: c.13-2A>G on transcript NM_000048.4 (MANE Select); the canonical splice acceptor site of the intron before coding-DNA position 13, A replaced by G.
Molecular consequence: splice acceptor variant.
Genome position (GRCh38, 1-based): chr7:66,081,801, A>G. VCF-style: chr7-66081801-A-G. GRCh37 (hg19) VCF-style: chr7-65546788-A-G.
Other names: c.13-2A>G (NM_001024943.2, NM_001024944.2, NM_001024946.2).
Identifiers: ClinVar variation 2825471 (VCV002825471.3), dbSNP rs2484993078, ClinGen allele CA367637466.
Genomic context (GRCh38, chr7:66,081,801, plus strand): 5'-TTGCAAGAAGCACTGTTCTGGAGGGTGGAGGAGAGACTAATTGTTCTTGCTCTCCTGGCC[A>G]GAGTGGGAAGCTTTGGGGTGGCCGGTTTGTGGGTGCAGTGGACCCCATCATGGAGAAGTT-3'

ClinVar aggregate classification (germline): Likely pathogenic (1 of 4 stars; one submission).

Conditions:
Argininosuccinate lyase deficiency. Also called: Argininosuccinic aciduria; ARGININOSUCCINIC ACID LYASE DEFICIENCY; ASL DEFICIENCY. Identifiers: Orphanet 23, MedGen C0268547, MONDO:0008815, OMIM 207900, HP:0025630.

Submission:

Labcorp Genetics (formerly Invitae), Labcorp
Classification: Likely pathogenic for Argininosuccinate lyase deficiency. Last evaluated: 2022-12-31. Review status: criteria provided, single submitter. Criteria: Invitae Variant Classification Sherloc (09022015). Collection method: clinical testing. Allele origin: germline.
Comment: In summary, the currently available evidence indicates that the variant is pathogenic, but additional data are needed to prove that conclusively. Therefore, this variant has been classified as Likely Pathogenic. Algorithms developed to predict the effect of sequence changes on RNA splicing suggest that this variant may disrupt the consensus splice site. This variant has not been reported in the literature in individuals affected with ASL-related conditions. This variant is not present in population databases (gnomAD no frequency). This sequence change affects an acceptor splice site in intron 2 of the ASL gene. It is expected to disrupt RNA splicing. Variants that disrupt the donor or acceptor splice site typically lead to a loss of protein function (PMID: 16199547), and loss-of-function variants in ASL are known to be pathogenic (PMID: 2263616, 24166829).

Literature cited by the submitters: PubMed 16199547; PubMed 2263616; PubMed 24166829.